The following is an entry in ClinVar:

NM_152866.3(MS4A1):c.115G>A (p.Gly39Ser)

Gene: MS4A1 (membrane spanning 4-domains A1; plus strand). Cytogenetic location: 11q12.2.
Variant type: single nucleotide variant.
Coding change: c.115G>A on transcript NM_152866.3 (MANE Select); coding-DNA position 115, G replaced by A.
Protein change: p.Gly39Ser; replaces glycine 39 with serine.
Molecular consequence: missense variant.
Genome position (GRCh38, 1-based): chr11:60,462,489, G>A. VCF-style: chr11-60462489-G-A. GRCh37 (hg19) VCF-style: chr11-60229962-G-A.
Other names: c.115G>A, p.Gly39Ser (NM_021950.4, NM_152867.2); short protein forms G39S.
Identifiers: ClinVar variation 1963394 (VCV001963394.5), dbSNP rs1322248141, ClinGen allele CA380597954.

ClinVar aggregate classification (germline): Uncertain significance (1 of 4 stars; one submission).

Allele frequency attached by ClinVar (database versions not stated): TOPMed below 0.00001; gnomAD 0.00001; gnomAD exomes 0.00002.
gnomAD v4.1: 32 of 1,614,022 alleles (0.002%); highest among the groups gnomAD compares: Non-Finnish European, 0.0026%; no homozygotes.

Submission:

Labcorp Genetics (formerly Invitae), Labcorp
Classification: Uncertain significance. Last evaluated: 2024-04-25. Review status: criteria provided, single submitter. Criteria: Invitae Variant Classification Sherloc (09022015). Collection method: clinical testing. Allele origin: germline.
Comment: This sequence change replaces glycine, which is neutral and non-polar, with serine, which is neutral and polar, at codon 39 of the MS4A1 protein (p.Gly39Ser). This variant is present in population databases (no rsID available, gnomAD 0.0009%). This variant has not been reported in the literature in individuals affected with MS4A1-related conditions. ClinVar contains an entry for this variant (Variation ID: 1963394). Algorithms developed to predict the effect of missense changes on protein structure and function output the following: SIFT: "Not Available"; PolyPhen-2: "Possibly Damaging"; Align-GVGD: "Not Available". The serine amino acid residue is found in multiple mammalian species, which suggests that this missense change does not adversely affect protein function. Algorithms developed to predict the effect of sequence changes on RNA splicing suggest that this variant may create or strengthen a splice site. In summary, the available evidence is currently insufficient to determine the role of this variant in disease. Therefore, it has been classified as a Variant of Uncertain Significance.